The following is an entry in ClinVar:

NM_001089.3(ABCA3):c.2726G>A (p.Trp909Ter)

Gene: ABCA3 (ATP binding cassette subfamily A member 3; minus strand). Cytogenetic location: 16p13.3.
Variant type: single nucleotide variant.
Coding change: c.2726G>A on transcript NM_001089.3 (MANE Select); coding-DNA position 2726, G replaced by A.
Protein change: p.Trp909Ter; replaces tryptophan 909 with a stop codon.
Molecular consequence: nonsense.
Genome position (GRCh38, 1-based): chr16:2,288,304, C>T on the plus strand (G>A on the coding strand, the complement: ABCA3 is on the minus strand). VCF-style: chr16-2288304-C-T. GRCh37 (hg19) VCF-style: chr16-2338305-C-T.
Other names: short protein forms W909*.
Identifiers: ClinVar variation 3579984 (VCV003579984.2).

ClinVar aggregate classification (germline): Pathogenic/Likely pathogenic. Review status: criteria provided, multiple submitters, no conflicts (2 of 4 stars). 2 submissions from 2 submitters: Pathogenic (1); Likely pathogenic (1). Last evaluated 2026-09-07.

Conditions:
Interstitial lung disease due to ABCA3 deficiency. Also called: PULMONARY ALVEOLAR PROTEINOSIS, CONGENITAL, 3. Identifiers: Orphanet 440402, MedGen C1970456, MONDO:0012582, OMIM 610921.

Submissions (2):

Myriad Genetics, Inc.
Classification: Pathogenic for Interstitial lung disease due to ABCA3 deficiency. Last evaluated: 2026-09-07. Review status: criteria provided, single submitter. Criteria: Myriad Autosomal Dominant, Autosomal Recessive and X-Linked Classification Criteria (2023). Collection method: clinical testing. Allele origin: unknown.
Comment: NM_001089.2(ABCA3):c.2726G>A(W909*) is expected to be pathogenic in the context of surfactant deficiency, ABCA3-related. This variant is predicted to lead to an abnormal or absent protein product due to the creation of a premature termination codon in ABCA3, a gene where loss-of-function variants are known to be pathogenic. Please note: this variant was assessed in the context of healthy population screening.

Fulgent Genetics
Classification: Likely pathogenic for Interstitial lung disease due to ABCA3 deficiency. Last evaluated: 2024-01-09. Review status: criteria provided, single submitter. Criteria: ACMG Guidelines, 2015. Collection method: clinical testing. Allele origin: germline.